The following is an entry in ClinVar:

ClinVar aggregate classification (germline): Likely benign (1 of 4 stars; one submission).

gnomAD v4.1: 1 of 1,610,742 alleles (0.000062%); highest among the groups gnomAD compares: Non-Finnish European, 0.000085%; no homozygotes.

Submission:

Molecular Diagnostic Laboratory for Inherited Cardiovascular Disease, Montreal Heart Institute
Classification: Likely benign. Last evaluated: 2026-09-21. Review status: criteria provided, single submitter. Criteria: ACMG Guidelines, 2015. Collection method: clinical testing. Allele origin: germline. Affected: no.
Comment: BP1

NM_001267550.2(TTN):c.46733T>C (p.Val15578Ala)

Genes: TTN (titin; minus strand), TTN-AS1 (TTN antisense RNA 1; plus strand). Cytogenetic location: 2q31.2.
Variant type: single nucleotide variant.
Coding change: c.46733T>C on transcript NM_001267550.2 (MANE Select); coding-DNA position 46733, T replaced by C.
Protein change: p.Val15578Ala; replaces valine 15578 with alanine.
Molecular consequence: missense variant.
Genome position (GRCh38, 1-based): chr2:178,618,817, A>G on the plus strand (T>C on the coding strand, the complement: TTN is on the minus strand). VCF-style: chr2-178618817-A-G. GRCh37 (hg19) VCF-style: chr2-179483544-A-G.
Other names: c.41810T>C, p.Val13937Ala (NM_001256850.1); c.19538T>C, p.Val6513Ala (NM_003319.4); c.39029T>C, p.Val13010Ala (NM_133378.4); c.19913T>C, p.Val6638Ala (NM_133432.3); c.20114T>C, p.Val6705Ala (NM_133437.4); short protein forms V13010A, V13937A, V15578A, V6513A, V6638A, V6705A.
Identifiers: ClinVar variation 5037863 (VCV005037863.1).
Genomic context (GRCh38, chr2:178,618,817, plus strand): 5'-TCTGCTTTGGGGTAGGCATCATATGGCACCACCATTGTCAGAGGCTTGCCAACATCAACC[A>G]CAAGGTCTTGGTCAGCTGTCTTGATTTTTGGTGCAGCTAGTGAGAAAGATAACATGTGAA-3'
Protein context (NP_001254479.2, residues 15568-15588): PKIKTADQDL[Val15578Ala]VDVGKPLTMV